The following is an entry in ClinVar:

ClinVar aggregate classification (germline): Uncertain significance (1 of 4 stars; one submission).

Conditions:
Epilepsy, familial adult myoclonic, 5 (EPEO5). Also called: CORTICAL MYOCLONIC TREMOR WITH EPILEPSY, FAMILIAL, 5. Identifiers: Orphanet 86814, MedGen C3809374, MONDO:0014167, OMIM 615400.

Allele frequency attached by ClinVar (database versions not stated): gnomAD exomes below 0.00001; TOPMed below 0.00001; ExAC 0.00001; gnomAD 0.00001; 1000 Genomes Project 30x 0.00031; 1000 Genomes Project 0.00040.
gnomAD v4.1: 4 of 1,613,866 alleles (0.00025%); highest among the groups gnomAD compares: Admixed American, 0.0067%; no homozygotes.

Submission:

Labcorp Genetics (formerly Invitae), Labcorp
Classification: Uncertain significance for Epilepsy, familial adult myoclonic, 5. Last evaluated: 2021-11-28. Review status: criteria provided, single submitter. Criteria: Invitae Variant Classification Sherloc (09022015). Collection method: clinical testing. Allele origin: germline.
Comment: In summary, the available evidence is currently insufficient to determine the role of this variant in disease. Therefore, it has been classified as a Variant of Uncertain Significance. Variants that disrupt the consensus splice site are a relatively common cause of aberrant splicing (PMID: 17576681, 9536098). Algorithms developed to predict the effect of sequence changes on RNA splicing suggest that this variant may disrupt the consensus splice site. This variant has not been reported in the literature in individuals affected with CNTN2-related conditions. This variant is present in population databases (rs190521009, gnomAD 0.003%). This sequence change falls in intron 12 of the CNTN2 gene. It does not directly change the encoded amino acid sequence of the CNTN2 protein. It affects a nucleotide within the consensus splice site.

Literature cited by the submitters: PubMed 17576681; PubMed 9536098.

NM_005076.5(CNTN2):c.1519+3G>C

Gene: CNTN2 (contactin 2; plus strand). Cytogenetic location: 1q32.1.
Variant type: single nucleotide variant.
Coding change: c.1519+3G>C on transcript NM_005076.5 (MANE Select); 3 bases into the intron after coding-DNA position 1519, G replaced by C.
Molecular consequence: intron variant.
Genome position (GRCh38, 1-based): chr1:205,064,753, G>C. VCF-style: chr1-205064753-G-C. GRCh37 (hg19) VCF-style: chr1-205033881-G-C.
Other names: c.1519+3G>C (NM_001346083.2).
Identifiers: ClinVar variation 1982279 (VCV001982279.4), dbSNP rs190521009, ClinGen allele CA1351396.